The following is an entry in ClinVar:

NM_002693.3(POLG):c.3491T>C (p.Phe1164Ser)

Gene: POLG (DNA polymerase gamma, catalytic subunit; minus strand). Cytogenetic location: 15q26.1.
Variant type: single nucleotide variant.
Coding change: c.3491T>C on transcript NM_002693.3 (MANE Select); coding-DNA position 3491, T replaced by C.
Protein change: p.Phe1164Ser; replaces phenylalanine 1164 with serine.
Molecular consequence: missense variant.
Genome position (GRCh38, 1-based): chr15:89,317,528, A>G on the plus strand (T>C on the coding strand, the complement: POLG is on the minus strand). VCF-style: chr15-89317528-A-G. GRCh37 (hg19) VCF-style: chr15-89860759-A-G.
Other names: c.3491T>C, p.Phe1164Ser (NM_001126131.2); short protein forms F1164S.
Identifiers: ClinVar variation 4802409 (VCV004802409.1).
Genomic context (GRCh38, chr15:89,317,528, plus strand): 5'-TCGACTGCACTGAAAAAGGCGACTGACTGGGGCAAGTCATTCAGACCCAGCTTGTAGGCA[A>G]ACATGCACCTGAAAGAGACCCAATCTACTCTCACAGTCATGCCCCTCCTGTGAACAGATG-3'
Protein context (NP_002684.1, residues 1154-1174): QITNLLTRCM[Phe1164Ser]AYKLGLNDLP

ClinVar aggregate classification (germline): Uncertain significance (1 of 4 stars; one submission).

Conditions:
Progressive sclerosing poliodystrophy (MTDPS4A). Also called: ALPERS PROGRESSIVE INFANTILE POLIODYSTROPHY; NEURONAL DEGENERATION OF CHILDHOOD WITH LIVER DISEASE, PROGRESSIVE; Mitochondrial DNA Depletion Syndrome 4A; Alpers Syndrome; ALPERS DIFFUSE DEGENERATION OF CEREBRAL GRAY MATTER WITH HEPATIC CIRRHOSIS; Alpers-Huttenlocher Syndrome. Identifiers: Orphanet 726, MedGen C0205710, MONDO:0008758, OMIM 203700.

Submission:

Labcorp Genetics (formerly Invitae), Labcorp
Classification: Uncertain significance for Progressive sclerosing poliodystrophy. Last evaluated: 2025-11-29. Review status: criteria provided, single submitter. Criteria: Invitae Variant Classification Sherloc (09022015). Collection method: clinical testing. Allele origin: germline.
Comment: This sequence change replaces phenylalanine, which is neutral and non-polar, with serine, which is neutral and polar, at codon 1164 of the POLG protein (p.Phe1164Ser). This variant is not present in population databases (gnomAD no frequency). This variant has not been reported in the literature in individuals affected with POLG-related conditions. Invitae Evidence Modeling of protein sequence and biophysical properties (such as structural, functional, and spatial information, amino acid conservation, physicochemical variation, residue mobility, and thermodynamic stability) indicates that this missense variant is expected to disrupt POLG protein function with a positive predictive value of 95%. In summary, the available evidence is currently insufficient to determine the role of this variant in disease. Therefore, it has been classified as a Variant of Uncertain Significance.